The following is an entry in ClinVar:

ClinVar aggregate classification (germline): Uncertain significance (1 of 4 stars; one submission).

Conditions:
Candidiasis, familial, 9 (CANDF9). Identifiers: Orphanet 1334, MedGen C4225324, MONDO:0014642, OMIM 616445.

Submission:

Labcorp Genetics (formerly Invitae), Labcorp
Classification: Uncertain significance for Candidiasis, familial, 9. Last evaluated: 2023-05-29. Review status: criteria provided, single submitter. Criteria: Invitae Variant Classification Sherloc (09022015). Collection method: clinical testing. Allele origin: germline.
Comment: This variant has not been reported in the literature in individuals affected with IL17RC-related conditions. An algorithm developed to predict the effect of missense changes on protein structure and function (PolyPhen-2) suggests that this variant is likely to be tolerated. In summary, the available evidence is currently insufficient to determine the role of this variant in disease. Therefore, it has been classified as a Variant of Uncertain Significance. This sequence change replaces asparagine, which is neutral and polar, with lysine, which is basic and polar, at codon 272 of the IL17RC protein (p.Asn272Lys). This variant is not present in population databases (gnomAD no frequency).

NM_153460.4(IL17RC):c.603C>G (p.Asn201Lys)

Gene: IL17RC (interleukin 17 receptor C; plus strand). Cytogenetic location: 3p25.3.
Variant type: single nucleotide variant.
Coding change: c.603C>G on transcript NM_153460.4 (MANE Select); coding-DNA position 603, C replaced by G.
Protein change: p.Asn201Lys; replaces asparagine 201 with lysine.
Molecular consequence: missense variant. On other transcripts: intron variant (5).
Genome position (GRCh38, 1-based): chr3:9,920,950, C>G. VCF-style: chr3-9920950-C-G. GRCh37 (hg19) VCF-style: chr3-9962634-C-G.
Other names: c.603C>G, p.Asn201Lys (NM_001203263.2, NM_001203264.2, NM_001367278.1); c.816C>G, p.Asn272Lys (NM_153461.4); c.577+348C>G (NM_032732.6, NM_001367280.1, NM_001203265.2 and 1 more transcripts); c.502+348C>G (NM_001367279.1); short protein forms N201K, N272K.
Identifiers: ClinVar variation 2748603 (VCV002748603.3), dbSNP rs2083488676, ClinGen allele CA351758319.